The following is an entry in ClinVar:

NM_014625.4(NPHS2):c.534+5G>A

Gene: NPHS2 (NPHS2 stomatin family member, podocin; minus strand). Cytogenetic location: 1q25.2.
Variant type: single nucleotide variant.
Coding change: c.534+5G>A on transcript NM_014625.4 (MANE Select); 5 bases into the intron after coding-DNA position 534, G replaced by A.
Molecular consequence: intron variant.
Genome position (GRCh38, 1-based): chr1:179,559,674, C>T on the plus strand (G>A on the coding strand, the complement: NPHS2 is on the minus strand). VCF-style: chr1-179559674-C-T. GRCh37 (hg19) VCF-style: chr1-179528809-C-T.
Other names: c.534+5G>A (NM_001297575.2).
Identifiers: ClinVar variation 1428492 (VCV001428492.4), dbSNP rs1237310267, ClinGen allele CA527198662.

ClinVar aggregate classification (germline): Uncertain significance. Review status: criteria provided, multiple submitters, no conflicts (2 of 4 stars). 3 submissions from 3 submitters: Uncertain significance (3). Last evaluated 2023-04-11.

Conditions:
Nephrotic syndrome, type 2 (NPHS2). Also called: NEPHROTIC SYNDROME, STEROID-RESISTANT, AUTOSOMAL RECESSIVE. Identifiers: Orphanet 656, MedGen C1868672, MONDO:0010974, OMIM 600995.

Allele frequency attached by ClinVar (database versions not stated): gnomAD exomes below 0.00001; TOPMed below 0.00001; gnomAD 0.00001.
gnomAD v4.1: 3 of 1,569,596 alleles (0.00019%); highest among the groups gnomAD compares: East Asian, 0.0023%; no homozygotes.

Submissions (3):

Genome-Nilou Lab
Classification: Uncertain significance for Nephrotic syndrome, type 2. Last evaluated: 2023-04-11. Review status: criteria provided, single submitter. Criteria: ACMG Guidelines, 2015. Collection method: clinical testing. Allele origin: germline. Affected: no.

Fulgent Genetics
Classification: Uncertain significance for Nephrotic syndrome, type 2. Last evaluated: 2021-10-01. Review status: criteria provided, single submitter. Criteria: ACMG Guidelines, 2015. Collection method: clinical testing. Allele origin: unknown.

Labcorp Genetics (formerly Invitae), Labcorp
Classification: Uncertain significance. Last evaluated: 2021-01-19. Review status: criteria provided, single submitter. Criteria: Invitae Variant Classification Sherloc (09022015). Collection method: clinical testing. Allele origin: germline.
Comment: This sequence change falls in intron 4 of the NPHS2 gene. It does not directly change the encoded amino acid sequence of the NPHS2 protein. It affects a nucleotide within the consensus splice site of the intron. This variant is not present in population databases (ExAC no frequency). This variant has not been reported in the literature in individuals with NPHS2-related conditions. Nucleotide substitutions within the consensus splice site are a relatively common cause of aberrant splicing (PMID: 17576681, 9536098). Algorithms developed to predict the effect of sequence changes on RNA splicing suggest that this variant may disrupt the consensus splice site, but this prediction has not been confirmed by published transcriptional studies. In summary, the available evidence is currently insufficient to determine the role of this variant in disease. Therefore, it has been classified as a Variant of Uncertain Significance.

Literature cited by the submitters: PubMed 17576681 (cited by Labcorp Genetics (formerly Invitae), Labcorp); PubMed 9536098 (cited by Labcorp Genetics (formerly Invitae), Labcorp).